The following is an entry in ClinVar:

ClinVar aggregate classification (germline): Likely pathogenic. Review status: criteria provided, multiple submitters, no conflicts (2 of 4 stars). 3 submissions from 3 submitters: Likely pathogenic (3). Last evaluated 2020-09-10.

Conditions:
Intellectual developmental disorder, X-linked, syndromic, Turner type. Also called: Intellectual disability, X-linked syndromic, Turner type; X-linked intellectual disability, Turner type. Identifiers: Orphanet 3056, Orphanet 85328, MedGen C2678046, MONDO:0010407, OMIM 309590.
Intellectual disability. Also called: intellectual disabilities; Intellectual functioning disability; Intellectual developmental disorder. Identifiers: MedGen C3714756, MeSH D008607, MONDO:0001071, HP:0001249.

Submissions (3):

Diagnostic Laboratory, Strasbourg University Hospital
Classification: Likely pathogenic for Intellectual disability. Last evaluated: 2020-09-10. Review status: criteria provided, single submitter. Criteria: ACMG Guidelines, 2015. Collection method: clinical testing. Allele origin: de novo. Affected: yes. Observed: 1 heterozygote.

CeGaT Center for Human Genetics Tuebingen
Classification: Likely pathogenic. Last evaluated: 2020-09-01. Review status: criteria provided, single submitter. Criteria: CeGaT Center For Human Genetics Tuebingen Variant Classification Criteria Version 2. Collection method: clinical testing. Allele origin: germline. Affected: yes. Observed: 1 variant allele.

Center for Medical Genetics and Molecular Medicine, Haukeland University Hospital
Classification: Likely pathogenic for Intellectual developmental disorder, X-linked, syndromic, Turner type. Last evaluated: 2017-01-18. Review status: criteria provided, single submitter. Criteria: ACMG Guidelines, 2015. Collection method: clinical testing. Allele origin: de novo. Inheritance: X-linked inheritance. Affected: no. Observed: 1 variant allele.
Comment: ACMG evidence: PS(1), PM(1), PP(1)

NM_031407.7(HUWE1):c.12469C>G (p.Leu4157Val)

Gene: HUWE1 (HECT, UBA and WWE domain containing E3 ubiquitin protein ligase 1; minus strand). Cytogenetic location: Xp11.22.
Variant type: single nucleotide variant.
Coding change: c.12469C>G on transcript NM_031407.7 (MANE Select); coding-DNA position 12469, C replaced by G.
Protein change: p.Leu4157Val; replaces leucine 4157 with valine.
Molecular consequence: missense variant.
Genome position (GRCh38, 1-based): chrX:53,536,209, G>C on the plus strand (C>G on the coding strand, the complement: HUWE1 is on the minus strand). VCF-style: chrX-53536209-G-C. GRCh37 (hg19) VCF-style: chrX-53563170-G-C.
Other names: short protein forms L4157V.
Identifiers: ClinVar variation 375722 (VCV000375722.42), dbSNP rs1556912828, ClinGen allele CA413149417.
Genomic context (GRCh38, chrX:53,536,209, plus strand): 5'-CAGTGCTGAAGGTGAGGTCATAGCCTAGTGTGGAGACATCATTTTCCAGCAGATAAACCA[G>C]ACCTTGGTAGAAGTGGTAATCTTCACTCTCCATATCTGTATATCTAGAAAAACACAATTA-3'
Protein context (NP_113584.3, residues 4147-4167): ESEDYHFYQG[Leu4157Val]VYLLENDVST